The following is an entry in ClinVar:

NM_001267550.2(TTN):c.80740dup (p.Val26914fs)

Genes: TTN (titin; minus strand), TTN-AS1 (TTN antisense RNA 1; plus strand). Cytogenetic location: 2q31.2.
Variant type: Duplication.
Coding change: c.80740dup on transcript NM_001267550.2 (MANE Select); coding-DNA position 80740, one base duplicated (G; older notation c.80740dupG).
Protein change: p.Val26914fs; shifts the reading frame from valine 26914.
Molecular consequence: frameshift variant.
Genome position (GRCh38, 1-based): chr2:178,565,392, C duplicated on the plus strand (G on the coding strand, the reverse complement: TTN is on the minus strand); the first of 3 consecutive C bases (chr2:178,565,392-178,565,394); duplicating any one gives the same sequence. VCF-style (leftmost placement, unchanged base first): chr2-178565391-A-AC. GRCh37 (hg19) VCF-style: chr2-179430118-A-AC.
Other names: c.75817dup, p.Val25273fs (NM_001256850.1); c.53545dup, p.Val17849fs (NM_003319.4); c.73036dup, p.Val24346fs (NM_133378.4); c.53920dup, p.Val17974fs (NM_133432.3); c.54121dup, p.Val18041fs (NM_133437.4); short protein forms V24346fs, V18041fs, V25273fs, V17849fs, V17974fs, V26914fs.
Identifiers: ClinVar variation 1518334 (VCV001518334.12), dbSNP rs2154164758, ClinGen allele CA2573134168.

ClinVar aggregate classification (germline): Likely pathogenic. Review status: criteria provided, multiple submitters, no conflicts (2 of 4 stars). 2 submissions from 2 submitters: Likely pathogenic (2). Last evaluated 2026-03-01.

Conditions:
Dilated cardiomyopathy 1G (CMD1G). Identifiers: Orphanet 154, MedGen C1858763, MONDO:0011400, OMIM 604145.
Autosomal recessive limb-girdle muscular dystrophy type 2J (LGMDR10). Also called: MUSCULAR DYSTROPHY, LIMB-GIRDLE, AUTOSOMAL RECESSIVE 10; Limb-girdle muscular dystrophy, type 2J. Identifiers: Orphanet 140922, MedGen C1837342, MONDO:0012127, OMIM 608807.

Submissions (2):

CeGaT Center for Human Genetics Tuebingen
Classification: Likely pathogenic. Last evaluated: 2026-03-01. Review status: criteria provided, single submitter. Criteria: CeGaT Center For Human Genetics Tuebingen Variant Classification Criteria Version 2. Collection method: clinical testing. Allele origin: germline. Affected: yes. Observed: 1 variant allele.
Comment: TTN: PVS1:Strong, PM2

Labcorp Genetics (formerly Invitae), Labcorp
Classification: Likely pathogenic for Dilated cardiomyopathy 1G; Autosomal recessive limb-girdle muscular dystrophy type 2J. Last evaluated: 2025-05-13. Review status: criteria provided, single submitter. Criteria: Invitae Variant Classification Sherloc (09022015). Collection method: clinical testing. Allele origin: germline.
Comment: This sequence change creates a premature translational stop signal (p.Val26914Glyfs*5) in the TTN gene. While this is not anticipated to result in nonsense mediated decay, it is expected to create a truncated TTN protein. This variant is not present in population databases (gnomAD no frequency). This variant has not been reported in the literature in individuals affected with TTN-related conditions. ClinVar contains an entry for this variant (Variation ID: 1518334). This variant is located in the A band of TTN (PMID: 25589632). Truncating variants in this region are significantly overrepresented in patients affected with dilated cardiomyopathy (PMID: 25589632). Truncating variants in this region have also been reported in individuals affected with autosomal recessive centronuclear myopathy (PMID: 23975875). In summary, the currently available evidence indicates that the variant is pathogenic, but additional data are needed to prove that conclusively. Therefore, this variant has been classified as Likely Pathogenic.

Literature cited by the submitters: PubMed 25589632 (cited by Labcorp Genetics (formerly Invitae), Labcorp); PubMed 23975875 (cited by Labcorp Genetics (formerly Invitae), Labcorp).